The following is an entry in ClinVar:

NM_001370259.2(MEN1):c.1103C>T (p.Ala368Val)

Gene: MEN1 (menin 1; minus strand). Cytogenetic location: 11q13.1.
Variant type: single nucleotide variant.
Coding change: c.1103C>T on transcript NM_001370259.2 (MANE Select); coding-DNA position 1103, C replaced by T.
Protein change: p.Ala368Val; replaces alanine 368 with valine.
Molecular consequence: missense variant. On other transcripts: non-coding transcript variant (4).
Genome position (GRCh38, 1-based): chr11:64,805,717, G>A on the plus strand (C>T on the coding strand, the complement: MEN1 is on the minus strand). VCF-style: chr11-64805717-G-A. GRCh37 (hg19) VCF-style: chr11-64573189-G-A.
Other names: c.1103C>T, p.Ala368Val (NM_130799.3, NM_001407146.1, NM_001407147.1 and 3 more transcripts); c.1118C>T, p.Ala373Val (NM_130800.3, NM_130801.3, NM_130802.3 and 4 more transcripts); c.1229C>T, p.Ala410Val (NM_001407144.1, NM_001407142.1, NM_001407143.1 and 1 more transcripts); c.998C>T, p.Ala333Val (NM_001407148.1, NM_001407149.1, NM_001370262.2 and 1 more transcripts); c.1244C>T, p.Ala415Val (NM_001407150.1); c.1124C>T, p.Ala375Val (NM_001407151.1); short protein forms A375V, A373V, A410V, A333V, A415V, A368V.
Identifiers: ClinVar variation 3634194 (VCV003634194.3).

ClinVar aggregate classification (germline): Uncertain significance. Review status: criteria provided, multiple submitters, no conflicts (2 of 4 stars). 2 submissions from 2 submitters: Uncertain significance (2). Last evaluated 2025-11-06.

Conditions:
Hereditary cancer-predisposing syndrome. Also called: Hereditary Cancer Syndrome; Hereditary neoplastic syndrome; Neoplastic Syndromes, Hereditary; Tumor predisposition. Identifiers: Orphanet 140162, MedGen C0027672, MeSH D009386, MONDO:0015356.
Multiple endocrine neoplasia, type 1 (MEN1). Also called: MEN I; WERMER SYNDROME; Endocrine adenomatosis multiple; MEN 1; MEA I. Identifiers: Orphanet 652, MedGen C0025267, MeSH D018761, MONDO:0007540, OMIM 131100.

Submissions (2):

Ambry Genetics
Classification: Uncertain significance for Hereditary cancer-predisposing syndrome. Last evaluated: 2025-11-06. Review status: criteria provided, single submitter. Criteria: Ambry Variant Classification Scheme 2023. Collection method: clinical testing. Allele origin: germline.
Comment: The p.A368V variant (also known as c.1103C>T), located in coding exon 7 of the MEN1 gene, results from a C to T substitution at nucleotide position 1103. The alanine at codon 368 is replaced by valine, an amino acid with similar properties. This amino acid position is highly conserved in available vertebrate species. In addition, this alteration is predicted to be deleterious by in silico analysis. Based on the available evidence, the clinical significance of this variant remains unclear.

Labcorp Genetics (formerly Invitae), Labcorp
Classification: Uncertain significance for Multiple endocrine neoplasia, type 1. Last evaluated: 2024-04-18. Review status: criteria provided, single submitter. Criteria: Invitae Variant Classification Sherloc (09022015). Collection method: clinical testing. Allele origin: germline.
Comment: This sequence change replaces alanine, which is neutral and non-polar, with valine, which is neutral and non-polar, at codon 368 of the MEN1 protein (p.Ala368Val). This variant is not present in population databases (gnomAD no frequency). This variant has not been reported in the literature in individuals affected with MEN1-related conditions. Advanced modeling of protein sequence and biophysical properties (such as structural, functional, and spatial information, amino acid conservation, physicochemical variation, residue mobility, and thermodynamic stability) performed at Invitae indicates that this missense variant is expected to disrupt MEN1 protein function with a positive predictive value of 95%. In summary, the available evidence is currently insufficient to determine the role of this variant in disease. Therefore, it has been classified as a Variant of Uncertain Significance.